The following is an entry in ClinVar:

NM_004408.4(DNM1):c.1037G>A (p.Gly346Asp)

Gene: DNM1 (dynamin 1; plus strand). Cytogenetic location: 9q34.11.
Variant type: single nucleotide variant.
Coding change: c.1037G>A on transcript NM_004408.4 (MANE Select); coding-DNA position 1037, G replaced by A.
Protein change: p.Gly346Asp; replaces glycine 346 with aspartic acid.
Molecular consequence: missense variant.
Genome position (GRCh38, 1-based): chr9:128,222,505, G>A. VCF-style: chr9-128222505-G-A. GRCh37 (hg19) VCF-style: chr9-130984784-G-A.
Other names: c.1037G>A, p.Gly346Asp (NM_001005336.3, NM_001288737.2, NM_001288738.2 and 2 more transcripts); short protein forms G346D.
Identifiers: ClinVar variation 2501933 (VCV002501933.1), dbSNP rs1064794903, ClinGen allele CA375016048.
Genomic context (GRCh38, chr9:128,222,505, plus strand): 5'-ACCACTCTCCCACCAGGATGGTCCAGCAGTTCGCCGTAGACTTTGAGAAGCGCATTGAGG[G>A]CTCAGGAGATCAGATCGACACCTACGAACTGTCAGGGGGAGCCCGCATTAACCGAATCTT-3'
Protein context (NP_004399.2, residues 336-356): FAVDFEKRIE[Gly346Asp]SGDQIDTYEL

ClinVar aggregate classification (germline): Likely pathogenic (1 of 4 stars; one submission).

Submission:

GeneDx
Classification: Likely pathogenic. Last evaluated: 2023-03-13. Review status: criteria provided, single submitter. Criteria: GeneDx Variant Classification Process June 2021. Collection method: clinical testing. Allele origin: germline. Affected: yes.
Comment: Identified in one individual from a large cohort of patients with neurodevelopmental disorders (Wang et al., 2020); Not observed at significant frequency in large population cohorts (gnomAD); In silico analysis supports that this missense variant has a deleterious effect on protein structure/function; This variant is associated with the following publications: (PMID: 33004838)